The following is an entry in ClinVar:

NM_000558.5(HBA1):c.255del (p.Ser85fs)

Genes: HBA1 (hemoglobin subunit alpha 1; plus strand), LOC106804613 (hemoglobin subunit alpha 1 recombination region; plus strand). Cytogenetic location: 16p13.3.
Variant type: Deletion.
Coding change: c.255del on transcript NM_000558.5 (MANE Select); coding-DNA position 255, one base deleted (C; older notation c.255delC).
Protein change: p.Ser85fs; shifts the reading frame from serine 85.
Molecular consequence: frameshift variant.
Genome position (GRCh38, 1-based): chr16:177,088, C deleted. VCF-style (leftmost placement, unchanged base first): chr16-177087-GC-G. GRCh37 (hg19) VCF-style: chr16-227086-GC-G.
Other names: short protein forms S85fs.
Identifiers: ClinVar variation 4814393 (VCV004814393.1).

ClinVar aggregate classification (germline): Likely pathogenic (1 of 4 stars; one submission).

Conditions:
alpha Thalassemia. Also called: Alpha thalassemia spectrum. Identifiers: Orphanet 846, MedGen C0002312, MONDO:0011399, OMIM 604131.

Submission:

Natera, Inc.
Classification: Likely pathogenic for Alpha thalassemia. Last evaluated: 2025-08-12. Review status: criteria provided, single submitter. Criteria: Natera Variant Classification Schema (03/2026). Collection method: clinical testing. Allele origin: germline.
Comment: The c.255del variant in HBA1 is a frameshift variant predicted to shift the reading frame beginning at codon 85 and leads to a stop codon 18 codons downstream. This variant is expected to result in nonsense mediated decay, truncation, or a dysfunctional protein product. This variant is rare in the general population with a frequency below the threshold expected for the associated phenotype(s). Given the available evidence, this variant is classified as Likely Pathogenic.